The following is an entry in ClinVar:

ClinVar aggregate classification (germline): Uncertain significance (1 of 4 stars; one submission).

gnomAD v4.1: 74 of 1,550,560 alleles (0.0048%); highest among the groups gnomAD compares: Admixed American, 0.033%; no homozygotes.

Submission:

GeneDx
Classification: Uncertain significance. Last evaluated: 2026-06-15. Review status: criteria provided, single submitter. Criteria: GeneDx Variant Classification Process June 2021. Collection method: clinical testing. Allele origin: germline.
Comment: In silico analysis supports that this missense variant has a deleterious effect on protein structure/function; Has not been previously published as pathogenic or benign to our knowledge

NM_001292063.2(OTOG):c.2348G>T (p.Arg783Leu)

Gene: OTOG (otogelin; plus strand). Cytogenetic location: 11p15.1.
Variant type: single nucleotide variant.
Coding change: c.2348G>T on transcript NM_001292063.2 (MANE Select); coding-DNA position 2348, G replaced by T.
Protein change: p.Arg783Leu; replaces arginine 783 with leucine.
Molecular consequence: missense variant.
Genome position (GRCh38, 1-based): chr11:17,574,774, G>T. VCF-style: chr11-17574774-G-T. GRCh37 (hg19) VCF-style: chr11-17596321-G-T.
Other names: c.2384G>T, p.Arg795Leu (NM_001277269.2); short protein forms R783L, R795L.
Identifiers: ClinVar variation 3381400 (VCV003381400.2).
Genomic context (GRCh38, chr11:17,574,774, plus strand): 5'-CTGCAGCACTGTCCTGTGAGGCCTCCAAGGAGTATAGCCCCTGCGTGGCCCCGTGTGGAC[G>T]TACCTGCCAGGACCTGGCCAGCCCTGAGGCCTGTGGGGTTGATGGTGGCGATGACCTGAG-3'
Protein context (NP_001278992.1, residues 773-793): EYSPCVAPCG[Arg783Leu]TCQDLASPEA